The following is an entry in ClinVar:

NM_006231.4(POLE):c.4647dup (p.Lys1550fs)

Gene: POLE (DNA polymerase epsilon, catalytic subunit; minus strand). Cytogenetic location: 12q24.33.
Variant type: Duplication.
Coding change: c.4647dup on transcript NM_006231.4 (MANE Select); coding-DNA position 4647, one base duplicated (C; older notation c.4647dupC).
Protein change: p.Lys1550fs; shifts the reading frame from lysine 1550.
Molecular consequence: frameshift variant.
Genome position (GRCh38, 1-based): chr12:132,642,901, G duplicated on the plus strand (C on the coding strand, the reverse complement: POLE is on the minus strand); the first of 6 consecutive G bases (chr12:132,642,901-132,642,906); duplicating any one gives the same sequence. VCF-style (leftmost placement, unchanged base first): chr12-132642900-T-TG. GRCh37 (hg19) VCF-style: chr12-133219486-T-TG.
Other names: c.4647dupC (NM_006231.3); short protein forms K1550fs.
Identifiers: ClinVar variation 420461 (VCV000420461.9), dbSNP rs754220952, ClinGen allele CA6892754.

ClinVar aggregate classification (germline): Conflicting classifications of pathogenicity. Review status: criteria provided, conflicting classifications (1 of 4 stars). 3 submissions from 3 submitters: Pathogenic (1); Uncertain significance (2). Last evaluated 2025-02-10.

Conditions:
Hereditary cancer-predisposing syndrome. Also called: Hereditary neoplastic syndrome; Tumor predisposition; Neoplastic Syndromes, Hereditary; Hereditary Cancer Syndrome. Identifiers: Orphanet 140162, MedGen C0027672, MeSH D009386, MONDO:0015356.

Submissions (3):

Ambry Genetics
Classification: Uncertain significance for Hereditary cancer-predisposing syndrome. Last evaluated: 2025-02-10. Review status: criteria provided, single submitter. Criteria: Ambry Variant Classification Scheme 2023. Collection method: clinical testing. Allele origin: germline.
Comment: The c.4647dupC variant, located in coding exon 36 of the POLE gene, results from a duplication of C at nucleotide position 4647, causing a translational frameshift with a predicted alternate stop codon (p.K1550Qfs*11). Although biallelic loss of function of POLE has been associated with autosomal recessive POLE deficiency, haploinsufficiency of POLE has not been established as a mechanism of disease for POLE-related polymerase proofreading-associated polyposis (PPAP) and POLE-related CMMRD-like syndrome. Based on the supporting evidence, this variant is expected to be causative of POLE deficiency when present along with a second pathogenic variant on the other allele; however, its clinical significance for PPAP and POLE-related CMMRD-like syndrome is unclear.

Labcorp Genetics (formerly Invitae), Labcorp
Classification: Pathogenic. Last evaluated: 2024-01-18. Review status: criteria provided, single submitter. Criteria: Invitae Variant Classification Sherloc (09022015). Collection method: clinical testing. Allele origin: germline.
Comment: This sequence change creates a premature translational stop signal (p.Lys1550Glnfs*11) in the POLE gene. It is expected to result in an absent or disrupted protein product. Loss-of-function variants in POLE are known to be pathogenic (PMID: 23230001, 25948378, 30503519). This variant is not present in population databases (gnomAD no frequency). This premature translational stop signal has been observed in individual(s) with breast cancer (PMID: 28724667). ClinVar contains an entry for this variant (Variation ID: 420461). For these reasons, this variant has been classified as Pathogenic.

GeneDx
Classification: Uncertain significance. Last evaluated: 2016-02-08. Review status: criteria provided, single submitter. Criteria: GeneDx Variant Classification (06012015). Collection method: clinical testing. Allele origin: germline. Affected: yes.
Comment: This duplication of one nucleotide in POLE is denoted c.4647dupC at the cDNA level and p.Lys1550GlnfsX11 (K1550QfsX11) at the protein level. The normal sequence, with the base that is duplicated in braces, is ACCCCC[C]AAAC. The duplication causes a frameshift, which changes a Lysine to a Glutamine at codon 1550, and creates a premature stop codon at position 11 of the new reading frame. Although this variant has not, to our knowledge, been reported in the literature, it is predicted to cause loss of normal protein function through either protein truncation or nonsense-mediated mRNA decay. While some missense variants in POLE have been recognized as an underlying cause of Polymerase Proofreading-Associated Polyposis (PPAP), there are no data at this time to support that loss-of-function variants confer the same cancer risks. We therefore consider POLE c.4647dupC to be a variant of uncertain significance with respect to cancer. To date, the majority of publications regarding POLE and colorectal cancer risk are confined to missense variants within the exonuclease domain (Palles 2013, Spier 2015). However, a splice variant and a frameshift variant have been reported. Pachlopnik Schmid et al. (2012) observed a splice variant at the +3 position in intron 34, in the homozygous state, in 11 family members with facial dysmorphism, immunodeficiency, livedo, and short stature (FILS) from a large consanguineous family; however, they noted that all heterozygous carriers were asymptomatic and did not have a history of cancer. As described above, facial dysmorphism, immunodeficiency, livedo, and short stature (FILS) appears to be a rare autosomal recessive condition associated with two loss-of-function variants in POLE (Pachlopnik Schmid 2012). For individuals and family members of reproductive age, assessment of the reproductive risk associated with being a carrier of a loss of function POLE variant may be considered.

Literature cited by the submitters: PubMed 23230001 (cited by Labcorp Genetics (formerly Invitae), Labcorp); PubMed 25948378 (cited by Labcorp Genetics (formerly Invitae), Labcorp); PubMed 30503519 (cited by Labcorp Genetics (formerly Invitae), Labcorp); PubMed 28724667 (cited by Labcorp Genetics (formerly Invitae), Labcorp).